The following is an entry in ClinVar:

NM_024422.6(DSC2):c.2286C>T (p.Gly762=)

Gene: DSC2 (desmocollin 2; minus strand). Cytogenetic location: 18q12.1.
Variant type: single nucleotide variant.
Coding change: c.2286C>T on transcript NM_024422.6 (MANE Select); coding-DNA position 2286, C replaced by T.
Protein change: p.Gly762=; no amino-acid change (glycine 762 retained).
Molecular consequence: synonymous variant.
Genome position (GRCh38, 1-based): chr18:31,069,116, G>A on the plus strand (C>T on the coding strand, the complement: DSC2 is on the minus strand). VCF-style: chr18-31069116-G-A. GRCh37 (hg19) VCF-style: chr18-28649082-G-A.
Other names: c.2286C>T, p.Gly762= (NM_004949.5).
Identifiers: ClinVar variation 468379 (VCV000468379.21), dbSNP rs549251334, ClinGen allele CA036031.

ClinVar aggregate classification (germline): Likely benign. Review status: criteria provided, multiple submitters, no conflicts (2 of 4 stars). 6 submissions from 6 submitters: Likely benign (6). Last evaluated 2026-01-26.

Conditions:
Cardiovascular phenotype. Identifiers: MedGen CN230736.
Familial isolated arrhythmogenic right ventricular dysplasia. Identifiers: Orphanet 217656, MedGen C4274968, MONDO:0016342.
Arrhythmogenic right ventricular dysplasia 11. Also called: Arrhythmogenic Right Ventricular Dysplasia/Cardiomyopathy11; ARRHYTHMOGENIC RIGHT VENTRICULAR DYSPLASIA, FAMILIAL, 11; Arrhythmogenic right ventricular dysplasia 11 with mild palmoplantar keratoderma and woolly hair. Identifiers: MedGen C1864850, MONDO:0012506, OMIM 610476.
Cardiomyopathy (CMYO). Also called: Cardiomyopathies. Identifiers: Orphanet 167848, MedGen C0878544, MONDO:0004994, HP:0001638. Inheritance: Various modes of inheritance.

Allele frequency attached by ClinVar (database versions not stated): 1000 Genomes Project 30x 0.00047; TOPMed 0.00003; ExAC 0.00010; 1000 Genomes Project 0.00060.
gnomAD v4.1: 90 of 1,614,052 alleles (0.0056%); highest among the groups gnomAD compares: South Asian, 0.078%; no homozygotes.

Submissions (6):

Labcorp Genetics (formerly Invitae), Labcorp
Classification: Likely benign for Arrhythmogenic right ventricular dysplasia 11. Last evaluated: 2026-01-26. Review status: criteria provided, single submitter. Criteria: Invitae Variant Classification Sherloc (09022015). Collection method: clinical testing. Allele origin: germline.

All of Us Research Program, National Institutes of Health
Classification: Likely benign for Familial isolated arrhythmogenic right ventricular dysplasia. Last evaluated: 2024-09-17. Review status: criteria provided, single submitter. Criteria: ACMG Guidelines, 2015. Collection method: clinical testing. Allele origin: germline. Inheritance: Autosomal dominant inheritance. Observed: 6 variant alleles, 6 heterozygotes.
Comment: This study involves interpretation of variants in research participants for the purpose of population health screening. Participant phenotype was not available at the time of variant classification. Additional details can be found in publication PMID: 35346344, PMCID: PMC8962531

Women's Health and Genetics/Laboratory Corporation of America, LabCorp
Classification: Likely benign. Last evaluated: 2021-12-28. Review status: criteria provided, single submitter. Criteria: LabCorp Variant Classification Summary - May 2015. Collection method: clinical testing. Allele origin: germline.

GeneDx
Classification: Likely benign. Last evaluated: 2019-09-11. Review status: criteria provided, single submitter. Criteria: GeneDx Variant Classification Process June 2021. Collection method: clinical testing. Allele origin: germline. Affected: yes.

Ambry Genetics
Classification: Likely benign for Cardiovascular phenotype. Last evaluated: 2019-02-04. Review status: criteria provided, single submitter. Criteria: Ambry Variant Classification Scheme 2023. Collection method: clinical testing. Allele origin: germline.

Color Diagnostics, LLC DBA Color Health
Classification: Likely benign for Cardiomyopathy. Last evaluated: 2018-06-25. Review status: criteria provided, single submitter. Criteria: ACMG Guidelines, 2015. Collection method: clinical testing. Allele origin: germline.